The following is an entry in ClinVar:

NM_002468.5(MYD88):c.-9C>G

Gene: MYD88 (MYD88 innate immune signal transduction adaptor; plus strand). Cytogenetic location: 3p22.2.
Variant type: single nucleotide variant.
Coding change: c.-9C>G on transcript NM_002468.5 (MANE Select); 9 bases upstream of the start codon, C replaced by G.
Molecular consequence: 5 prime UTR variant.
Genome position (GRCh38, 1-based): chr3:38,138,692, C>G. VCF-style: chr3-38138692-C-G. GRCh37 (hg19) VCF-style: chr3-38180183-C-G.
Other names: c.-9C>G (NM_001172566.2, NM_001172567.2, NM_001172568.2 and 3 more transcripts).
Identifiers: ClinVar variation 134869 (VCV000134869.8), dbSNP rs587778544, ClinGen allele CA160954.

ClinVar aggregate classification (germline): Uncertain significance. Review status: criteria provided, multiple submitters, no conflicts (2 of 4 stars). 4 submissions from 4 submitters: Uncertain significance (3). 1 of the submissions does not count toward it. Last evaluated 2024-05-06.

Conditions:
Inborn genetic diseases. Identifiers: MedGen C0950123, MeSH D030342.
Pyogenic bacterial infections due to MyD88 deficiency (IMD68). Also called: PYOGENIC BACTERIAL INFECTIONS, RECURRENT, DUE TO MYD88 DEFICIENCY. Identifiers: Orphanet 183713, MedGen C2677092, MONDO:0012839, OMIM 612260.

Allele frequency attached by ClinVar (database versions not stated): gnomAD exomes 0.00004 and 0.00005; TOPMed 0.00005; gnomAD 0.00006; ExAC 0.00010.
gnomAD v4.1: 68 of 1,596,502 alleles (0.0043%); highest among the groups gnomAD compares: Middle Eastern, 0.068%; no homozygotes.

Submissions (4):

Labcorp Genetics (formerly Invitae), Labcorp
Classification: Uncertain significance for Pyogenic bacterial infections due to MyD88 deficiency. Last evaluated: 2024-05-06. Review status: criteria provided, single submitter. Criteria: Invitae Variant Classification Sherloc (09022015). Collection method: clinical testing. Allele origin: germline.
Comment: This sequence change replaces proline, which is neutral and non-polar, with alanine, which is neutral and non-polar, at codon 11 of the MYD88 protein (p.Pro11Ala). This variant is present in population databases (rs587778544, gnomAD 0.01%). This variant has not been reported in the literature in individuals affected with MYD88-related conditions. ClinVar contains an entry for this variant (Variation ID: 134869). Algorithms developed to predict the effect of missense changes on protein structure and function output the following: SIFT: "Not Available"; PolyPhen-2: "Benign"; Align-GVGD: "Not Available". The alanine amino acid residue is found in multiple mammalian species, which suggests that this missense change does not adversely affect protein function. In summary, the available evidence is currently insufficient to determine the role of this variant in disease. Therefore, it has been classified as a Variant of Uncertain Significance.

Ambry Genetics
Classification: Uncertain significance for Inborn genetic diseases. Last evaluated: 2023-12-17. Review status: criteria provided, single submitter. Criteria: Ambry Variant Classification Scheme 2023. Collection method: clinical testing. Allele origin: germline.

Breakthrough Genomics
Classification: Uncertain significance. Review status: criteria provided, single submitter. Criteria: ACMG Guidelines, 2015. Collection method: not provided. Allele origin: germline. Inheritance: Autosomal recessive inheritance. Affected: yes.

ITMI
No classification provided. Condition: AllHighlyPenetrant. Last evaluated: 2013-09-19. Review status: no classification provided. Collection method: reference population. Allele origin: germline. Not counted in ClinVar's aggregate classification.
Comment: Please see associated publication for description of ethnicities

Literature cited by the submitters: PubMed 24728327 (cited by ITMI).